The following is an entry in ClinVar:

NM_006904.7(PRKDC):c.5231A>C (p.Lys1744Thr)

Gene: PRKDC (protein kinase, DNA-activated, catalytic subunit; minus strand). Cytogenetic location: 8q11.21.
Variant type: single nucleotide variant.
Coding change: c.5231A>C on transcript NM_006904.7 (MANE Select); coding-DNA position 5231, A replaced by C.
Protein change: p.Lys1744Thr; replaces lysine 1744 with threonine.
Molecular consequence: missense variant.
Genome position (GRCh38, 1-based): chr8:47,879,495, T>G on the plus strand (A>C on the coding strand, the complement: PRKDC is on the minus strand). VCF-style: chr8-47879495-T-G. GRCh37 (hg19) VCF-style: chr8-48792056-T-G.
Other names: c.5231A>C, p.Lys1744Thr (NM_001081640.2); short protein forms K1744T.
Identifiers: ClinVar variation 2449812 (VCV002449812.2), dbSNP rs2551872226, ClinGen allele CA371138108.

ClinVar aggregate classification (germline): Uncertain significance (1 of 4 stars; one submission).

Submission:

Ambry Genetics
Classification: Uncertain significance. Last evaluated: 2022-11-10. Review status: criteria provided, single submitter. Criteria: Ambry Variant Classification Scheme 2023. Collection method: clinical testing. Allele origin: germline.
Comment: The p.K1744T variant (also known as c.5231A>C), located in coding exon 39 of the PRKDC gene, results from an A to C substitution at nucleotide position 5231. The lysine at codon 1744 is replaced by threonine, an amino acid with similar properties. This amino acid position is conserved. In addition, this alteration is predicted to be tolerated by in silico analysis. Since supporting evidence is limited at this time, the clinical significance of this alteration remains unclear.